The following is an entry in ClinVar:

ClinVar aggregate classification (germline): Uncertain significance (1 of 4 stars; one submission).

Submission:

Labcorp Genetics (formerly Invitae), Labcorp
Classification: Uncertain significance. Last evaluated: 2022-05-13. Review status: criteria provided, single submitter. Criteria: Invitae Variant Classification Sherloc (09022015). Collection method: clinical testing. Allele origin: germline.
Comment: This sequence change replaces valine, which is neutral and non-polar, with alanine, which is neutral and non-polar, at codon 109 of the SIN3A protein (p.Val109Ala). This variant is not present in population databases (gnomAD no frequency). This variant has not been reported in the literature in individuals affected with SIN3A-related conditions. Algorithms developed to predict the effect of missense changes on protein structure and function output the following: SIFT: "Tolerated"; PolyPhen-2: "Benign"; Align-GVGD: "Class C0". The alanine amino acid residue is found in multiple mammalian species, which suggests that this missense change does not adversely affect protein function. In summary, the available evidence is currently insufficient to determine the role of this variant in disease. Therefore, it has been classified as a Variant of Uncertain Significance.

NM_001145358.2(SIN3A):c.326T>C (p.Val109Ala)

Gene: SIN3A (SIN3 transcription regulator family member A; minus strand). Cytogenetic location: 15q24.2.
Variant type: single nucleotide variant.
Coding change: c.326T>C on transcript NM_001145358.2 (MANE Select); coding-DNA position 326, T replaced by C.
Protein change: p.Val109Ala; replaces valine 109 with alanine.
Molecular consequence: missense variant.
Genome position (GRCh38, 1-based): chr15:75,422,687, A>G on the plus strand (T>C on the coding strand, the complement: SIN3A is on the minus strand). VCF-style: chr15-75422687-A-G. GRCh37 (hg19) VCF-style: chr15-75715028-A-G.
Other names: c.326T>C, p.Val109Ala (NM_001145357.2, NM_015477.3); short protein forms V109A.
Identifiers: ClinVar variation 1993854 (VCV001993854.4), dbSNP rs2542751586, ClinGen allele CA393458489.